The following is an entry in ClinVar:

ClinVar aggregate classification (germline): Uncertain significance (1 of 4 stars; one submission).

Conditions:
Hereditary cancer-predisposing syndrome. Also called: Neoplastic Syndromes, Hereditary; Tumor predisposition; Hereditary neoplastic syndrome; Hereditary Cancer Syndrome. Identifiers: Orphanet 140162, MedGen C0027672, MeSH D009386, MONDO:0015356.

Submission:

Ambry Genetics
Classification: Uncertain significance for Hereditary cancer-predisposing syndrome. Last evaluated: 2026-07-06. Review status: criteria provided, single submitter. Criteria: Ambry Variant Classification Scheme 2023. Collection method: clinical testing. Allele origin: germline.
Comment: The p.V541L variant (also known as c.1621G>C), located in coding exon 13 of the BAP1 gene, results from a G to C substitution at nucleotide position 1621. The valine at codon 541 is replaced by leucine, an amino acid with highly similar properties. This amino acid position is conserved. In addition, this alteration is predicted to be tolerated by in silico analysis. Based on the available evidence, the clinical significance of this variant remains unclear.

NM_004656.4(BAP1):c.1621G>C (p.Val541Leu)

Gene: BAP1 (BRCA1 associated deubiquitinase 1; minus strand). Cytogenetic location: 3p21.1.
Variant type: single nucleotide variant.
Coding change: c.1621G>C on transcript NM_004656.4 (MANE Select); coding-DNA position 1621, G replaced by C.
Protein change: p.Val541Leu; replaces valine 541 with leucine.
Molecular consequence: missense variant.
Genome position (GRCh38, 1-based): chr3:52,403,524, C>G on the plus strand (G>C on the coding strand, the complement: BAP1 is on the minus strand). VCF-style: chr3-52403524-C-G. GRCh37 (hg19) VCF-style: chr3-52437540-C-G.
Other names: c.1567G>C, p.Val523Leu (NM_001410772.1); short protein forms V541L, V523L.
Identifiers: ClinVar variation 5032726 (VCV005032726.1).